The following is an entry in ClinVar:

NM_006904.7(PRKDC):c.3642A>C (p.Glu1214Asp)

Gene: PRKDC (protein kinase, DNA-activated, catalytic subunit; minus strand). Cytogenetic location: 8q11.21.
Variant type: single nucleotide variant.
Coding change: c.3642A>C on transcript NM_006904.7 (MANE Select); coding-DNA position 3642, A replaced by C.
Protein change: p.Glu1214Asp; replaces glutamic acid 1214 with aspartic acid.
Molecular consequence: missense variant.
Genome position (GRCh38, 1-based): chr8:47,893,344, T>G on the plus strand (A>C on the coding strand, the complement: PRKDC is on the minus strand). VCF-style: chr8-47893344-T-G. GRCh37 (hg19) VCF-style: chr8-48805904-T-G.
Other names: c.3642A>C, p.Glu1214Asp (NM_001081640.2); short protein forms E1214D.
Identifiers: ClinVar variation 2560683 (VCV002560683.2), dbSNP rs780047835, ClinGen allele CA371151054.

ClinVar aggregate classification (germline): Uncertain significance (1 of 4 stars; one submission).

Submission:

Ambry Genetics
Classification: Uncertain significance. Last evaluated: 2023-04-01. Review status: criteria provided, single submitter. Criteria: Ambry Variant Classification Scheme 2023. Collection method: clinical testing. Allele origin: germline.
Comment: The p.E1214D variant (also known as c.3642A>C), located in coding exon 31 of the PRKDC gene, results from an A to C substitution at nucleotide position 3642. The glutamic acid at codon 1214 is replaced by aspartic acid, an amino acid with highly similar properties. This amino acid position is conserved. In addition, this alteration is predicted to be tolerated by in silico analysis. Since supporting evidence is limited at this time, the clinical significance of this alteration remains unclear.